The following is an entry in ClinVar:

NM_000787.4(DBH):c.1556T>C (p.Ile519Thr)

Genes: DBH-AS1 (DBH antisense RNA 1; minus strand), DBH (dopamine beta-hydroxylase; plus strand). Cytogenetic location: 9q34.2.
Variant type: single nucleotide variant.
Coding change: c.1556T>C on transcript NM_000787.4 (MANE Select); coding-DNA position 1556, T replaced by C.
Protein change: p.Ile519Thr; replaces isoleucine 519 with threonine.
Molecular consequence: missense variant.
Genome position (GRCh38, 1-based): chr9:133,656,644, T>C. VCF-style: chr9-133656644-T-C. GRCh37 (hg19) VCF-style: chr9-136521766-T-C.
Other names: short protein forms I519T.
Identifiers: ClinVar variation 365665 (VCV000365665.10), dbSNP rs537856898, ClinGen allele CA5313576.

ClinVar aggregate classification (germline): Uncertain significance. Review status: criteria provided, multiple submitters, no conflicts (2 of 4 stars). 3 submissions from 3 submitters: Uncertain significance (3). Last evaluated 2025-08-08.

Conditions:
Orthostatic hypotension 1 (ORTHYP1). Also called: Dopamine beta-hydroxylase deficiency; Orthostatic hypotension 1, due to DBH deficiency; NORADRENALINE DEFICIENCY; NOREPINEPHRINE DEFICIENCY. Identifiers: Orphanet 230, MedGen C4746777, MONDO:0009123, OMIM 223360.
Inborn genetic diseases. Identifiers: MedGen C0950123, MeSH D030342.

Allele frequency attached by ClinVar (database versions not stated): gnomAD below 0.00001 and 0.00002; ExAC 0.00006; 1000 Genomes Project 30x 0.00031; 1000 Genomes Project 0.00040.
gnomAD v4.1: 55 of 1,612,122 alleles (0.0034%); highest among the groups gnomAD compares: East Asian, 0.065%; no homozygotes.

Submissions (3):

Ambry Genetics
Classification: Uncertain significance for Inborn genetic diseases. Last evaluated: 2025-08-08. Review status: criteria provided, single submitter. Criteria: Ambry Variant Classification Scheme 2023. Collection method: clinical testing. Allele origin: germline.

Labcorp Genetics (formerly Invitae), Labcorp
Classification: Uncertain significance for Orthostatic hypotension 1. Last evaluated: 2022-05-05. Review status: criteria provided, single submitter. Criteria: Invitae Variant Classification Sherloc (09022015). Collection method: clinical testing. Allele origin: germline.
Comment: This variant is present in population databases (rs537856898, gnomAD 0.05%). This sequence change replaces isoleucine, which is neutral and non-polar, with threonine, which is neutral and polar, at codon 519 of the DBH protein (p.Ile519Thr). This variant has not been reported in the literature in individuals affected with DBH-related conditions. ClinVar contains an entry for this variant (Variation ID: 365665). Algorithms developed to predict the effect of missense changes on protein structure and function are either unavailable or do not agree on the potential impact of this missense change (SIFT: "Deleterious"; PolyPhen-2: "Benign"; Align-GVGD: "Class C0"). In summary, the available evidence is currently insufficient to determine the role of this variant in disease. Therefore, it has been classified as a Variant of Uncertain Significance.

Illumina Laboratory Services, Illumina
Classification: Uncertain significance for Orthostatic hypotension 1. Last evaluated: 2018-01-13. Review status: criteria provided, single submitter. Criteria: ICSL Variant Classification Criteria 13 December 2019. Collection method: clinical testing. Allele origin: germline.